The following is an entry in ClinVar:

NM_001018115.3(FANCD2):c.3290G>A (p.Arg1097Gln)

Genes: FANCD2 (FA complementation group D2; plus strand), FANCD2OS (FANCD2 opposite strand; minus strand). Cytogenetic location: 3p25.3.
Variant type: single nucleotide variant.
Coding change: c.3290G>A on transcript NM_001018115.3 (MANE Select); coding-DNA position 3290, G replaced by A.
Protein change: p.Arg1097Gln; replaces arginine 1097 with glutamine.
Molecular consequence: missense variant. On other transcripts: intron variant (1).
Genome position (GRCh38, 1-based): chr3:10,085,877, G>A. VCF-style: chr3-10085877-G-A. GRCh37 (hg19) VCF-style: chr3-10127561-G-A.
Other names: c.3290G>A, p.Arg1097Gln (NM_001319984.2, NM_001374254.1, NM_033084.6); c.3179G>A, p.Arg1060Gln (NM_001374253.1); c.*44-4346C>T (NM_173472.2); short protein forms R1060Q, R1097Q.
Identifiers: ClinVar variation 1319384 (VCV001319384.12), dbSNP rs755748094, ClinGen allele CA2250331.

ClinVar aggregate classification (germline): Uncertain significance. Review status: criteria provided, multiple submitters, no conflicts (2 of 4 stars). 5 submissions from 5 submitters: Uncertain significance (5). Last evaluated 2025-05-25.

Conditions:
Fanconi anemia (FA). Also called: Fanconi's anemia. Identifiers: Orphanet 84, MedGen C0015625, MeSH D005199, MONDO:0019391.

Allele frequency attached by ClinVar (database versions not stated): ExAC 0.00005; TOPMed 0.00006; gnomAD exomes 0.00006; gnomAD 0.00006.
gnomAD v4.1: 84 of 1,613,490 alleles (0.0052%); highest among the groups gnomAD compares: Middle Eastern, 0.016%; no homozygotes.

Submissions (5):

Labcorp Genetics (formerly Invitae), Labcorp
Classification: Uncertain significance for Fanconi anemia. Last evaluated: 2025-05-25. Review status: criteria provided, single submitter. Criteria: Invitae Variant Classification Sherloc (09022015). Collection method: clinical testing. Allele origin: germline.
Comment: This sequence change replaces arginine, which is basic and polar, with glutamine, which is neutral and polar, at codon 1097 of the FANCD2 protein (p.Arg1097Gln). This variant is present in population databases (rs755748094, gnomAD 0.01%). This variant has not been reported in the literature in individuals affected with FANCD2-related conditions. ClinVar contains an entry for this variant (Variation ID: 1319384). Invitae Evidence Modeling of protein sequence and biophysical properties (such as structural, functional, and spatial information, amino acid conservation, physicochemical variation, residue mobility, and thermodynamic stability) indicates that this missense variant is expected to disrupt FANCD2 protein function with a positive predictive value of 80%. In summary, the available evidence is currently insufficient to determine the role of this variant in disease. Therefore, it has been classified as a Variant of Uncertain Significance.

Blueprint Genetics
Classification: Uncertain significance. Last evaluated: 2024-05-27. Review status: criteria provided, single submitter. Criteria: ACMG Guidelines, 2015. Collection method: clinical testing. Allele origin: germline.

Women's Health and Genetics/Laboratory Corporation of America, LabCorp
Classification: Uncertain significance. Last evaluated: 2023-12-14. Review status: criteria provided, single submitter. Criteria: LabCorp Variant Classification Summary - May 2015. Collection method: clinical testing. Allele origin: germline.
Comment: Variant summary: FANCD2 c.3290G>A (p.Arg1097Gln) results in a conservative amino acid change in the encoded protein sequence. Four of five in-silico tools predict a benign effect of the variant on protein function. The variant allele was found at a frequency of 6.4e-05 in 251440 control chromosomes. This frequency is not significantly higher than estimated for a pathogenic variant in FANCD2 causing Fanconi Anemia (6.4e-05 vs 0.00048), allowing no conclusion about variant significance. c.3290G>A has been reported at a heterozygous state along with two VUS changes from other genes in one individual affected with Pituitary stalk interruption syndrome (Example, Wang_2020). These report(s) do not provide unequivocal conclusions about association of the variant with Fanconi Anemia. To our knowledge, no experimental evidence demonstrating an impact on protein function has been reported. The following publication have been ascertained in the context of this evaluation (PMID: 33270637). Three submitters have cited clinical-significance assessments for this variant to ClinVar after 2014. All submitters classified the variant as uncertain significance. Based on the evidence outlined above, the variant was classified as uncertain significance.

Institute for Clinical Genetics, University Hospital TU Dresden, University Hospital TU Dresden
Classification: Uncertain significance. Last evaluated: 2021-11-03. Review status: criteria provided, single submitter. Criteria: ACMG Guidelines, 2015. Collection method: clinical testing. Allele origin: germline.

Genetic Services Laboratory, University of Chicago
Classification: Uncertain significance. Last evaluated: 2020-01-13. Review status: criteria provided, single submitter. Criteria: ACMG Guidelines, 2015. Collection method: clinical testing. Allele origin: germline. Affected: no.
Comment: DNA sequence analysis of the FANCD2 gene demonstrated a sequence change, c.3290G>A, in exon 33 that results in an amino acid change, p.Arg1097Gln. This sequence change does not appear to have been previously described in patients with FANCD2-related disorders and has been described in the gnomAD database with a frequency of 0.014% in African populations (dbSNP rs755748094). The p.Arg1097Gln change affects a highly conserved amino acid residue located in a domain of the FANCD2 protein that is not known to be functional. In-silico pathogenicity prediction tools (SIFT, PolyPhen2, Align GVGD, REVEL) provide contradictory results for the p.Arg1097Gln substitution. Due to these contrasting evidences and the lack of functional studies, the clinical significance of the p.Arg1097Gln change remains unknown at this time.

Literature cited by the submitters: PubMed 33270637 (cited by Women's Health and Genetics/Laboratory Corporation of America, LabCorp).